The following is an entry in ClinVar:

NM_031844.3(HNRNPU):c.2164_2165dup (p.Ala723fs)

Gene: HNRNPU (heterogeneous nuclear ribonucleoprotein U; minus strand). Cytogenetic location: 1q44.
Variant type: Duplication.
Coding change: c.2164_2165dup on transcript NM_031844.3 (MANE Select); coding-DNA positions 2164 to 2165, 2 bases duplicated (GG; older notation c.2164_2165dupGG).
Protein change: p.Ala723fs; shifts the reading frame from alanine 723.
Molecular consequence: frameshift variant.
Genome position (GRCh38, 1-based): chr1:244,855,906-244,855,907, CC duplicated on the plus strand (GG on the coding strand, the reverse complement: HNRNPU is on the minus strand). VCF-style (leftmost placement, unchanged base first): chr1-244855905-T-TCC. GRCh37 (hg19) VCF-style: chr1-245019207-T-TCC.
Other names: c.2107_2108dup, p.Ala704fs (NM_004501.3); short protein forms A704fs, A723fs.
Identifiers: ClinVar variation 1007286 (VCV001007286.47), dbSNP rs1680667014, ClinGen allele CA1230997691.
Genomic context (GRCh38, chr1:244,855,905, plus strand): 5'-ATAAAATTATCACTTGTTTCGATCCTGAACTAAATACAGAACACTCAAAATTAACTTGCC[T>TCC]CCTCCTCTGAAATTTCCACCACGCATATTGAATCCTCCACGTCCTCTATGGCCACCACCT-3'

ClinVar aggregate classification (germline): Uncertain significance (1 of 4 stars; one submission).

Conditions:
Developmental and epileptic encephalopathy, 54. Also called: Epileptic encephalopathy, early infantile, 54; HNRNPU-Related Neurodevelopmental Disorder. Identifiers: MedGen C4479319, MONDO:0033363, OMIM 617391.

Submission:

Labcorp Genetics (formerly Invitae), Labcorp
Classification: Uncertain significance for Developmental and epileptic encephalopathy, 54. Last evaluated: 2024-02-17. Review status: criteria provided, single submitter. Criteria: Invitae Variant Classification Sherloc (09022015). Collection method: clinical testing. Allele origin: germline.
Comment: This sequence change results in a frameshift in the HNRNPU gene (p.Ala723Glufs*112). While this is not anticipated to result in nonsense mediated decay, it is expected to disrupt the last 103 amino acid(s) of the HNRNPU protein and extend the protein by 8 additional amino acid residues. This variant is not present in population databases (gnomAD no frequency). This variant has not been reported in the literature in individuals affected with HNRNPU-related conditions. ClinVar contains an entry for this variant (Variation ID: 1007286). Experimental studies and prediction algorithms are not available or were not evaluated, and the functional significance of this variant is currently unknown. Algorithms developed to predict the effect of sequence changes on RNA splicing suggest that this variant may disrupt the consensus splice site. This variant results in an extension of the HNRNPU protein. Other variant(s) that result in a similarly extended protein product (p.Asn767Glufs*66) have been observed in individuals with HNRNPU-related disease (PMID: 28283832). This suggests that these extensions may be clinically significant. In summary, the available evidence is currently insufficient to determine the role of this variant in disease. Therefore, it has been classified as a Variant of Uncertain Significance.

Literature cited by the submitters: PubMed 28283832.